The following is an entry in ClinVar:

NM_201384.3(PLEC):c.10158G>A (p.Ala3386=)

Gene: PLEC (plectin; minus strand). Cytogenetic location: 8q24.3.
Variant type: single nucleotide variant.
Coding change: c.10158G>A on transcript NM_201384.3 (MANE Select); coding-DNA position 10158, G replaced by A.
Protein change: p.Ala3386=; no amino-acid change (alanine 3386 retained).
Molecular consequence: synonymous variant.
Genome position (GRCh38, 1-based): chr8:143,919,663, C>T on the plus strand (G>A on the coding strand, the complement: PLEC is on the minus strand). VCF-style: chr8-143919663-C-T. GRCh37 (hg19) VCF-style: chr8-144993831-C-T.
Other names: c.10239G>A, p.Ala3413= (NM_000445.5); c.10116G>A, p.Ala3372= (NM_201378.4); c.10092G>A, p.Ala3364= (NM_201379.3); c.10569G>A, p.Ala3523= (NM_201380.4); c.10062G>A, p.Ala3354= (NM_201381.3); c.10158G>A, p.Ala3386= (NM_201382.4); c.10170G>A, p.Ala3390= (NM_201383.3); c.10239G>A (NM_000445.3).
Identifiers: ClinVar variation 284494 (VCV000284494.61), dbSNP rs373820763, ClinGen allele CA4924736.

ClinVar aggregate classification (germline): Conflicting classifications of pathogenicity. Review status: criteria provided, conflicting classifications (1 of 4 stars). 5 submissions from 5 submitters: Uncertain significance (1); Likely benign (4). Last evaluated 2026-02-01.

Conditions:
Autosomal recessive limb-girdle muscular dystrophy type 2Q (LGMDR17). Also called: MUSCULAR DYSTROPHY, LIMB-GIRDLE, AUTOSOMAL RECESSIVE 17. Identifiers: Orphanet 254361, MedGen C3150989, MONDO:0013390, OMIM 613723.
Epidermolysis bullosa simplex with nail dystrophy (EBS5D). Identifiers: MedGen C4225309, MONDO:0014661, OMIM 616487.
Epidermolysis bullosa simplex 5C, with pyloric atresia (EBS5C). Also called: PLEC-Related Epidermolysis Bullosa with Pyloric Atresia; PLEC1-Related Epidermolysis Bullosa with Pyloric Atresia; Epidermolysis bullosa simplex with pyloric atresia. Identifiers: Orphanet 158684, MedGen C2677349, MONDO:0012807, OMIM 612138.
Epidermolysis bullosa simplex, Ogna type (EBS5A). Also called: Pidermolysis bullosa simplex 5A, Ogna type; EPIDERMOLYSIS BULLOSA SIMPLEX 5A, OGNA TYPE. Identifiers: Orphanet 79401, MedGen C0432317, MONDO:0007555, OMIM 131950.
Epidermolysis bullosa simplex 5B, with muscular dystrophy (EBS5B). Also called: Epidermolysis bullosa simplex with muscular dystrophy; EPIDERMOLYSIS BULLOSA SIMPLEX AND LIMB-GIRDLE MUSCULAR DYSTROPHY. Identifiers: Orphanet 257, MedGen C2931072, MONDO:0009181, OMIM 226670.

Allele frequency attached by ClinVar (database versions not stated): ExAC 0.00070; ESP Exome Variant Server 0.00059; gnomAD exomes 0.00059; TOPMed 0.00059; gnomAD 0.00060 and 0.00063.
gnomAD v4.1: 1,004 of 1,594,230 alleles (0.063%); highest among the groups gnomAD compares: Admixed American, 0.083%; no homozygotes.

Submissions (5):

Labcorp Genetics (formerly Invitae), Labcorp
Classification: Likely benign for Autosomal recessive limb-girdle muscular dystrophy type 2Q; Epidermolysis bullosa simplex, Ogna type; Epidermolysis bullosa simplex with nail dystrophy; Epidermolysis bullosa simplex 5C, with pyloric atresia; Epidermolysis bullosa simplex 5B, with muscular dystrophy. Last evaluated: 2026-02-01. Review status: criteria provided, single submitter. Criteria: Invitae Variant Classification Sherloc (09022015). Collection method: clinical testing. Allele origin: germline.

Blueprint Genetics
Classification: Likely benign. Last evaluated: 2024-11-13. Review status: criteria provided, single submitter. Criteria: ACMG Guidelines, 2015. Collection method: clinical testing. Allele origin: germline.

CeGaT Center for Human Genetics Tuebingen
Classification: Likely benign. Last evaluated: 2024-09-01. Review status: criteria provided, single submitter. Criteria: CeGaT Center For Human Genetics Tuebingen Variant Classification Criteria Version 2. Collection method: clinical testing. Allele origin: germline. Affected: yes. Observed: 3 variant alleles.
Comment: PLEC: BP4, BP7

GeneDx
Classification: Likely benign. Last evaluated: 2020-06-30. Review status: criteria provided, single submitter. Criteria: GeneDx Variant Classification Process June 2021. Collection method: clinical testing. Allele origin: germline. Affected: yes.
Comment: See Variant Classification Assertion Criteria.

Eurofins Ntd Llc (ga)
Classification: Uncertain significance. Last evaluated: 2016-01-15. Review status: criteria provided, single submitter. Criteria: EGL Classification Definitions 2015. Collection method: clinical testing. Allele origin: germline. Observed: 7 variant alleles, 7 heterozygotes.